The following is an entry in ClinVar:

ClinVar aggregate classification (germline): Uncertain significance (1 of 4 stars; one submission).

gnomAD v4.1: 12 of 1,612,796 alleles (0.00074%); highest among the groups gnomAD compares: Non-Finnish European, 0.00025%; no homozygotes.

Submission:

Labcorp Genetics (formerly Invitae), Labcorp
Classification: Uncertain significance. Last evaluated: 2025-07-31. Review status: criteria provided, single submitter. Criteria: Invitae Variant Classification Sherloc (09022015). Collection method: clinical testing. Allele origin: germline.
Comment: This sequence change replaces valine, which is neutral and non-polar, with alanine, which is neutral and non-polar, at codon 299 of the SPPL2A protein (p.Val299Ala). This variant is present in population databases (rs761978384, gnomAD 0.01%). This variant has not been reported in the literature in individuals affected with SPPL2A-related conditions. An algorithm developed to predict the effect of missense changes on protein structure and function (PolyPhen-2) suggests that this variant is likely to be tolerated. In summary, the available evidence is currently insufficient to determine the role of this variant in disease. Therefore, it has been classified as a Variant of Uncertain Significance.

NM_032802.4(SPPL2A):c.896T>C (p.Val299Ala)

Gene: SPPL2A (signal peptide peptidase like 2A; minus strand). Cytogenetic location: 15q21.2.
Variant type: single nucleotide variant.
Coding change: c.896T>C on transcript NM_032802.4 (MANE Select); coding-DNA position 896, T replaced by C.
Protein change: p.Val299Ala; replaces valine 299 with alanine.
Molecular consequence: missense variant.
Genome position (GRCh38, 1-based): chr15:50,736,137, A>G on the plus strand (T>C on the coding strand, the complement: SPPL2A is on the minus strand). VCF-style: chr15-50736137-A-G. GRCh37 (hg19) VCF-style: chr15-51028334-A-G.
Other names: c.896T>C, p.Val299Ala (NM_001438111.1, NM_001438112.1); short protein forms V299A.
Identifiers: ClinVar variation 4724546 (VCV004724546.1).
Genomic context (GRCh38, chr15:50,736,137, plus strand): 5'-AGCAAATACATTGAGTATTCATACCTGTCTTCATTTCGAAACACAGCCCAAACAACAGCT[A>G]CTGCTATGCACAGTCCAGAGAGAAAAATAAGTCTCACTTCCATGTTTTTGCCACGACATG-3'
Protein context (NP_116191.2, residues 289-309): LIFLSGLCIA[Val299Ala]AVVWAVFRNE